The following is an entry in ClinVar:

ClinVar aggregate classification (germline): Benign/Likely benign. Review status: criteria provided, multiple submitters, no conflicts (2 of 4 stars). 3 submissions from 3 submitters: Benign (1); Likely benign (1). 1 of the submissions does not count toward it. Last evaluated 2025-12-03.

Conditions:
DCHS1-related disorder. Also called: DCHS1-related condition.

Allele frequency attached by ClinVar (database versions not stated): TOPMed 0.00003; gnomAD 0.00009; gnomAD exomes 0.00011; ExAC 0.00028; 1000 Genomes Project 0.00060; 1000 Genomes Project 30x 0.00062.
gnomAD v4.1: 177 of 1,613,814 alleles (0.011%); highest among the groups gnomAD compares: South Asian, 0.15%; 2 homozygotes.

Submissions (3):

Labcorp Genetics (formerly Invitae), Labcorp
Classification: Benign. Last evaluated: 2025-12-03. Review status: criteria provided, single submitter. Criteria: Invitae Variant Classification Sherloc (09022015). Collection method: clinical testing. Allele origin: germline.

Revvity Omics, Revvity
Classification: Likely benign. Last evaluated: 2023-10-20. Review status: criteria provided, single submitter. Criteria: ACMG Guidelines, 2015. Collection method: clinical testing. Allele origin: germline.

PreventionGenetics, part of Exact Sciences
Classification: Likely benign for DCHS1-related condition. Last evaluated: 2019-02-24. Review status: no assertion criteria provided. Collection method: clinical testing. Allele origin: germline. Not counted in ClinVar's aggregate classification.
Comment: This variant is classified as likely benign based on ACMG/AMP sequence variant interpretation guidelines (Richards et al. 2015 PMID: 25741868, with internal and published modifications).

NM_003737.4(DCHS1):c.8043C>T (p.Asp2681=)

Gene: DCHS1 (dachsous cadherin-related 1; minus strand). Cytogenetic location: 11p15.4.
Variant type: single nucleotide variant.
Coding change: c.8043C>T on transcript NM_003737.4 (MANE Select); coding-DNA position 8043, C replaced by T.
Protein change: p.Asp2681=; no amino-acid change (aspartic acid 2681 retained).
Molecular consequence: synonymous variant.
Genome position (GRCh38, 1-based): chr11:6,623,633, G>A on the plus strand (C>T on the coding strand, the complement: DCHS1 is on the minus strand). VCF-style: chr11-6623633-G-A. GRCh37 (hg19) VCF-style: chr11-6644864-G-A.
Other names: c.8043C>T (NM_003737.3).
Identifiers: ClinVar variation 2175445 (VCV002175445.8), dbSNP rs549044948, ClinGen allele CA5859493.